The following is an entry in ClinVar:

ClinVar aggregate classification (germline): Conflicting classifications of pathogenicity. Review status: criteria provided, conflicting classifications (1 of 4 stars). 7 submissions from 7 submitters: Uncertain significance (6); Likely benign (1). Last evaluated 2026-03-25.

Conditions:
Familial thoracic aortic aneurysm and aortic dissection (TAAD). Also called: Thoracic aortic aneurysms and dissections. Identifiers: Orphanet 91387, MedGen C4707243, MONDO:0019625.
Ehlers-Danlos syndrome, kyphoscoliotic type 1 (EDSKSCL1). Also called: PLOD1-Related Kyphoscoliotic Ehlers-Danlos Syndrome; EHLERS-DANLOS SYNDROME, TYPE VIA; Ehlers-Danlos syndrome, hydroxylysine-deficient; EHLERS-DANLOS SYNDROME, OCULAR-SCOLIOTIC TYPE. Identifiers: Orphanet 1900, MedGen C0268342, MONDO:0016002, OMIM 225400. Disease mechanism: loss of function.

Submissions (7):

Women's Health and Genetics/Laboratory Corporation of America, LabCorp
Classification: Uncertain significance. Last evaluated: 2026-03-25. Review status: criteria provided, single submitter. Criteria: LabCorp Variant Classification Summary - May 2015. Collection method: clinical testing. Allele origin: germline.
Comment: Variant summary: PLOD1 c.-9_2del11 is a small deletion located in the 5' untranslated region and the first coding exon. It encompasses the first two nucleotides of the start codon. However, the remaining upstream nucleotides restore the sequence of the start codon, likely maintaining the original reading frame. This indicates the variant is less likely to be associated with disease, however functional studies have not been performed. The frequency data for this variant in gnomAD is considered unreliable, as metrics indicate poor data quality at this position. To our knowledge, no occurrence of c.-9_2del11 in individuals affected with Ehlers-Danlos Syndrome Type VI and no experimental evidence demonstrating its impact on protein function have been reported. ClinVar contains an entry for this variant (Variation ID: 422689). Based on the evidence outlined above, the variant was classified as uncertain significance.

GeneDx
Classification: Uncertain significance. Last evaluated: 2026-03-12. Review status: criteria provided, single submitter. Criteria: GeneDx Variant Classification Process June 2021. Collection method: clinical testing. Allele origin: germline. Affected: yes.
Comment: Has not been previously published as pathogenic or benign to our knowledge; Alters the Kozak sequence, which plays a major role in the initiation of translation

Ambry Genetics
Classification: Uncertain significance for Familial thoracic aortic aneurysm and aortic dissection. Last evaluated: 2025-07-10. Review status: criteria provided, single submitter. Criteria: Ambry Variant Classification Scheme 2023. Collection method: clinical testing. Allele origin: germline.
Comment: The c.-9_2del11 variant (also known as p.M1?), located in the 5' untranslated region (5'UTR) and coding exon 1 of the PLOD1 gene, results from a deletion of 11 nucleotides between positions -9 and 2. This deletion interrupts the native ATG initiation codon; however, the remaining realigned nucleotides recreate an ATG initiation codon at the same position and is predicted to maintain the normal reading frame. However, direct evidence is unavailable. Since supporting evidence is limited at this time, the clinical significance of this alteration remains unclear.

Mayo Clinic Laboratories, Mayo Clinic
Classification: Uncertain significance. Last evaluated: 2025-06-12. Review status: criteria provided, single submitter. Criteria: ACMG Guidelines, 2015. Collection method: clinical testing. Allele origin: germline. Observed: 2 variant alleles.

Blueprint Genetics
Classification: Likely benign. Last evaluated: 2024-11-25. Review status: criteria provided, single submitter. Criteria: ACMG Guidelines, 2015. Collection method: clinical testing. Allele origin: germline.

CeGaT Center for Human Genetics Tuebingen
Classification: Uncertain significance. Last evaluated: 2024-10-01. Review status: criteria provided, single submitter. Criteria: CeGaT Center For Human Genetics Tuebingen Variant Classification Criteria Version 2. Collection method: clinical testing. Allele origin: germline. Affected: yes. Observed: 1 variant allele.
Comment: PLOD1: PM2, BP4

Fulgent Genetics
Classification: Uncertain significance for Ehlers-Danlos syndrome, kyphoscoliotic type 1. Last evaluated: 2022-05-04. Review status: criteria provided, single submitter. Criteria: ACMG Guidelines, 2015. Collection method: clinical testing. Allele origin: unknown.

NM_000302.4(PLOD1):c.-9_2del (p.Met1fs)

Gene: PLOD1 (procollagen-lysine,2-oxoglutarate 5-dioxygenase 1; plus strand). Cytogenetic location: 1p36.22.
Variant type: Deletion.
Coding change: c.-9_2del on transcript NM_000302.4 (MANE Select); 9 bases upstream of the start codon through coding-DNA position 2, 11 bases deleted (ACCTCGGCCAT).
Protein change: p.Met1fs; shifts the reading frame from methionine 1.
Molecular consequence: frameshift variant, initiator codon variant.
Genome position (GRCh38, 1-based): chr1:11,934,771-11,934,781, ACCTCGGCCAT deleted; deleting any 11 consecutive bases within chr1:11,934,767-11,934,781 gives the same sequence; the c. name uses the placement nearest the transcript's 3' end. VCF-style (leftmost placement, unchanged base first): chr1-11934766-CCCATACCTCGG-C. GRCh37 (hg19) VCF-style: chr1-11994823-CCCATACCTCGG-C.
Other names: c.-9_2del11 (NM_000302.4); c.-9_2del, p.Met1fs (NM_001316320.2); short protein forms M1fs.
Identifiers: ClinVar variation 422689 (VCV000422689.30), dbSNP rs747037908, ClinGen allele CA16616959.